The following is an entry in ClinVar:

NM_001933.5(DLST):c.944T>C (p.Ile315Thr)

Gene: DLST (dihydrolipoamide S-succinyltransferase; plus strand). Cytogenetic location: 14q24.3.
Variant type: single nucleotide variant.
Coding change: c.944T>C on transcript NM_001933.5 (MANE Select); coding-DNA position 944, T replaced by C.
Protein change: p.Ile315Thr; replaces isoleucine 315 with threonine.
Molecular consequence: missense variant. On other transcripts: non-coding transcript variant (2).
Genome position (GRCh38, 1-based): chr14:74,899,965, T>C. VCF-style: chr14-74899965-T-C. GRCh37 (hg19) VCF-style: chr14-75366668-T-C.
Other names: short protein forms I315T.
Identifiers: ClinVar variation 3656671 (VCV003656671.2).
Genomic context (GRCh38, chr14:74,899,965, plus strand): 5'-GTATTTTCTCTCTCATAGTGATTGACGACACAACCAAAGAGGTGGTGTATAGGGATTATA[T>C]TGACATCAGTGTTGCAGTGGCCACCCCACGGGTATGTTGGGGCAGGAGGTGGGGAATGTT-3'
Protein context (NP_001924.2, residues 305-325): TTKEVVYRDY[Ile315Thr]DISVAVATPR

ClinVar aggregate classification (germline): Uncertain significance (1 of 4 stars; one submission).

Submission:

Labcorp Genetics (formerly Invitae), Labcorp
Classification: Uncertain significance. Last evaluated: 2024-08-13. Review status: criteria provided, single submitter. Criteria: Invitae Variant Classification Sherloc (09022015). Collection method: clinical testing. Allele origin: germline.
Comment: This sequence change replaces isoleucine, which is neutral and non-polar, with threonine, which is neutral and polar, at codon 315 of the DLST protein (p.Ile315Thr). This variant is present in population databases (no rsID available, gnomAD 0.0009%). This variant has not been reported in the literature in individuals affected with DLST-related conditions. Advanced modeling of protein sequence and biophysical properties (such as structural, functional, and spatial information, amino acid conservation, physicochemical variation, residue mobility, and thermodynamic stability) performed at Invitae indicates that this missense variant is not expected to disrupt DLST protein function with a negative predictive value of 80%. In summary, the available evidence is currently insufficient to determine the role of this variant in disease. Therefore, it has been classified as a Variant of Uncertain Significance.